The following is an entry in ClinVar:

ClinVar aggregate classification (germline): Likely benign (1 of 4 stars; one submission).

Submission:

CeGaT Center for Human Genetics Tuebingen
Classification: Likely benign. Last evaluated: 2024-08-01. Review status: criteria provided, single submitter. Criteria: CeGaT Center For Human Genetics Tuebingen Variant Classification Criteria Version 2. Collection method: clinical testing. Allele origin: germline. Affected: yes. Observed: 1 variant allele.
Comment: ASXL3: BP1, BS2

NM_030632.3(ASXL3):c.169A>G (p.Met57Val)

Gene: ASXL3 (ASXL transcriptional regulator 3; plus strand). Cytogenetic location: 18q12.1.
Variant type: single nucleotide variant.
Coding change: c.169A>G on transcript NM_030632.3 (MANE Select); coding-DNA position 169, A replaced by G.
Protein change: p.Met57Val; replaces methionine 57 with valine.
Molecular consequence: missense variant.
Genome position (GRCh38, 1-based): chr18:33,644,925, A>G. VCF-style: chr18-33644925-A-G. GRCh37 (hg19) VCF-style: chr18-31224889-A-G.
Other names: short protein forms M57V.
Identifiers: ClinVar variation 3341888 (VCV003341888.16).